The following is an entry in ClinVar:

ClinVar aggregate classification (germline): Uncertain significance (1 of 4 stars; one submission).

Conditions:
Hereditary cancer-predisposing syndrome. Also called: Neoplastic Syndromes, Hereditary; Tumor predisposition; Hereditary Cancer Syndrome; Hereditary neoplastic syndrome. Identifiers: Orphanet 140162, MedGen C0027672, MeSH D009386, MONDO:0015356.

Submission:

Ambry Genetics
Classification: Uncertain significance for Hereditary cancer-predisposing syndrome. Last evaluated: 2021-03-08. Review status: criteria provided, single submitter. Criteria: Ambry Variant Classification Scheme 2023. Collection method: clinical testing. Allele origin: germline.
Comment: The p.S631P variant (also known as c.1891T>C), located in coding exon 4 of the MSH6 gene, results from a T to C substitution at nucleotide position 1891. The serine at codon 631 is replaced by proline, an amino acid with similar properties. This amino acid position is poorly conserved in available vertebrate species. In addition, this alteration is predicted to be tolerated by in silico analysis. Since supporting evidence is limited at this time, the clinical significance of this alteration remains unclear.

NM_000179.3(MSH6):c.1891T>C (p.Ser631Pro)

Gene: MSH6 (mutS homolog 6; plus strand). Cytogenetic location: 2p16.3.
Variant type: single nucleotide variant.
Coding change: c.1891T>C on transcript NM_000179.3 (MANE Select); coding-DNA position 1891, T replaced by C.
Protein change: p.Ser631Pro; replaces serine 631 with proline.
Molecular consequence: missense variant.
Genome position (GRCh38, 1-based): chr2:47,799,874, T>C. VCF-style: chr2-47799874-T-C. GRCh37 (hg19) VCF-style: chr2-48027013-T-C.
Other names: c.1501T>C, p.Ser501Pro (NM_001281492.2); c.985T>C, p.Ser329Pro (NM_001281493.2, NM_001281494.2, NM_001406811.1 and 6 more transcripts); c.1987T>C, p.Ser663Pro (NM_001406795.1, NM_001406802.1); c.1891T>C, p.Ser631Pro (NM_001406796.1, NM_001406798.1, NM_001406800.1 and 3 more transcripts); c.1594T>C, p.Ser532Pro (NM_001406797.1, NM_001406801.1, NM_001406805.1 and 10 more transcripts); c.1366T>C, p.Ser456Pro (NM_001406799.1, NM_001406806.1, NM_001406807.1); c.1813T>C, p.Ser605Pro (NM_001406804.1); c.1897T>C, p.Ser633Pro (NM_001406813.1); and 1 more; short protein forms S501P, S605P, S663P, S329P, S456P, S532P, S575P, S631P.
Identifiers: ClinVar variation 1782084 (VCV001782084.2), dbSNP rs2104374179, ClinGen allele CA346750042.